The following is an entry in ClinVar:

ClinVar aggregate classification (germline): Likely benign (1 of 4 stars; one submission).

Conditions:
Tuberous sclerosis 2 (TSC2). Identifiers: Orphanet 805, MedGen C1860707, MONDO:0013199, OMIM 613254.

Submission:

Myriad Genetics, Inc.
Classification: Likely benign for Tuberous sclerosis 2. Last evaluated: 2025-06-04. Review status: criteria provided, single submitter. Criteria: Myriad Autosomal Dominant, Autosomal Recessive and X-Linked Classification Criteria (2023). Collection method: clinical testing. Allele origin: unknown.
Comment: This variant is considered likely benign. This variant is intronic and is not expected to impact mRNA splicing.

NM_000548.5(TSC2):c.4570-18G>C

Gene: TSC2 (TSC complex subunit 2; plus strand). Cytogenetic location: 16p13.3.
Variant type: single nucleotide variant.
Coding change: c.4570-18G>C on transcript NM_000548.5 (MANE Select); 18 bases into the intron before coding-DNA position 4570, G replaced by C.
Molecular consequence: intron variant.
Genome position (GRCh38, 1-based): chr16:2,085,212, G>C. VCF-style: chr16-2085212-G-C. GRCh37 (hg19) VCF-style: chr16-2135213-G-C.
Other names: c.3028-18G>C (NM_001406693.1, NM_001406692.1, NM_001406694.1); c.4462-18G>C (NM_001406667.1); c.4459-18G>C (NM_001406668.1); c.3970-18G>C (NM_001406680.1); c.3901-18G>C (NM_001406683.1, NM_001406682.1); c.3769-18G>C (NM_001406687.1, NM_001406688.1); c.3157-18G>C (NM_001406689.1); c.3097-18G>C (NM_001406690.1); and 26 more.
Identifiers: ClinVar variation 4071256 (VCV004071256.1).